The following is an entry in ClinVar:

ClinVar aggregate classification (germline): Benign/Likely benign. Review status: criteria provided, multiple submitters, no conflicts (2 of 4 stars). 6 submissions from 6 submitters: Benign (1); Likely benign (5). Last evaluated 2026-01-27.

Conditions:
AMACR-related disorder. Also called: AMACR-related condition; AMACR-Related Disorders.
Alpha-methylacyl-CoA racemase deficiency (AMACRD). Also called: AMACR deficiency. Identifiers: Orphanet 79095, MedGen C3280428, MONDO:0013681, OMIM 614307. Disease mechanism: loss of function.

Allele frequency attached by ClinVar (database versions not stated): gnomAD 0.00013 and 0.00024; TOPMed 0.00019; gnomAD exomes 0.00044; ExAC 0.00045; 1000 Genomes Project 30x 0.00141; 1000 Genomes Project 0.00160.
gnomAD v4.1: 632 of 1,614,130 alleles (0.039%); highest among the groups gnomAD compares: East Asian, 1.3%; 4 homozygotes.

Submissions (6):

Labcorp Genetics (formerly Invitae), Labcorp
Classification: Benign for Alpha-methylacyl-CoA racemase deficiency. Last evaluated: 2026-01-27. Review status: criteria provided, single submitter. Criteria: Invitae Variant Classification Sherloc (09022015). Collection method: clinical testing. Allele origin: germline.

PreventionGenetics, part of Exact Sciences
Classification: Likely benign for AMACR-related condition. Last evaluated: 2024-12-12. Review status: criteria provided, single submitter. Criteria: ACMG Guidelines, 2015. Collection method: clinical testing. Allele origin: germline.
Comment: This variant is classified as likely benign based on ACMG/AMP sequence variant interpretation guidelines (Richards et al. 2015 PMID: 25741868, with internal and published modifications).

Blueprint Genetics
Classification: Likely benign. Last evaluated: 2024-07-10. Review status: criteria provided, single submitter. Criteria: ACMG Guidelines, 2015. Collection method: clinical testing. Allele origin: germline.

GeneDx
Classification: Likely benign. Last evaluated: 2020-09-09. Review status: criteria provided, single submitter. Criteria: GeneDx Variant Classification Process June 2021. Collection method: clinical testing. Allele origin: germline. Affected: yes.

Eurofins Ntd Llc (ga)
Classification: Likely benign. Last evaluated: 2018-02-22. Review status: criteria provided, single submitter. Criteria: EGL ClinVar v180209 classification definitions. Collection method: clinical testing. Allele origin: germline. Observed: 1 variant allele, 1 heterozygote.

Illumina Laboratory Services, Illumina
Classification: Likely benign for Alpha-methylacyl-CoA racemase deficiency. Last evaluated: 2018-01-12. Review status: criteria provided, single submitter. Criteria: ICSL Variant Classification Criteria 13 December 2019. Collection method: clinical testing. Allele origin: germline.
Comment: This variant was observed in the ICSL laboratory as part of a predisposition screen in an ostensibly healthy population. It had not been previously curated by ICSL or reported in the Human Gene Mutation Database (HGMD: prior to June 1st, 2018), and was therefore a candidate for classification through an automated scoring system. Utilizing variant allele frequency, disease prevalence and penetrance estimates, and inheritance mode, an automated score was calculated to assess if this variant is too frequent to cause the disease. Based on the score and internal cut-off values, a variant classified as likely benign is not then subjected to further curation. The score for this variant resulted in a classification of likely benign for this disease.

NM_014324.6(AMACR):c.438G>A (p.Pro146=)

Genes: C1QTNF3-AMACR (C1QTNF3-AMACR readthrough (NMD candidate); minus strand), AMACR (alpha-methylacyl-CoA racemase; minus strand). Cytogenetic location: 5p13.2.
Variant type: single nucleotide variant.
Coding change: c.438G>A on transcript NM_014324.6 (MANE Select); coding-DNA position 438, G replaced by A.
Protein change: p.Pro146=; no amino-acid change (proline 146 retained).
Molecular consequence: synonymous variant. On other transcripts: intron variant (1).
Genome position (GRCh38, 1-based): chr5:34,004,688, C>T on the plus strand (G>A on the coding strand, the complement: AMACR is on the minus strand). VCF-style: chr5-34004688-C-T. GRCh37 (hg19) VCF-style: chr5-34004793-C-T.
Other names: c.438G>A, p.Pro146= (NM_001167595.2); c.391+1068G>A (NM_203382.3).
Identifiers: ClinVar variation 507809 (VCV000507809.19), dbSNP rs140523570, ClinGen allele CA3226201.